The following is an entry in ClinVar:

NM_052874.5(STX1B):c.428G>A (p.Arg143His)

Gene: STX1B (syntaxin 1B; minus strand). Cytogenetic location: 16p11.2.
Variant type: single nucleotide variant.
Coding change: c.428G>A on transcript NM_052874.5 (MANE Select); coding-DNA position 428, G replaced by A.
Protein change: p.Arg143His; replaces arginine 143 with histidine.
Molecular consequence: missense variant.
Genome position (GRCh38, 1-based): chr16:30,996,986, C>T on the plus strand (G>A on the coding strand, the complement: STX1B is on the minus strand). VCF-style: chr16-30996986-C-T. GRCh37 (hg19) VCF-style: chr16-31008307-C-T.
Other names: short protein forms R143H.
Identifiers: ClinVar variation 1043521 (VCV001043521.10), dbSNP rs780166656, ClinGen allele CA8018374.

ClinVar aggregate classification (germline): Uncertain significance. Review status: criteria provided, multiple submitters, no conflicts (2 of 4 stars). 2 submissions from 2 submitters: Uncertain significance (2). Last evaluated 2023-01-05.

Conditions:
Generalized epilepsy with febrile seizures plus, type 9 (GEFSP9). Also called: GEFS+, TYPE 9. Identifiers: Orphanet 36387, MedGen C4015395, MONDO:0014517, OMIM 616172.

Allele frequency attached by ClinVar (database versions not stated): gnomAD exomes below 0.00001 and 0.00001; TOPMed below 0.00001; ExAC 0.00001.
gnomAD v4.1: 4 of 1,613,022 alleles (0.00025%); highest among the groups gnomAD compares: Admixed American, 0.0017%; no homozygotes.

Submissions (2):

GeneDx
Classification: Uncertain significance. Last evaluated: 2023-01-05. Review status: criteria provided, single submitter. Criteria: GeneDx Variant Classification Process June 2021. Collection method: clinical testing. Allele origin: germline. Affected: yes.
Comment: Not observed at significant frequency in large population cohorts (gnomAD); In silico analysis supports that this missense variant has a deleterious effect on protein structure/function; Has not been previously published as pathogenic or benign to our knowledge

Labcorp Genetics (formerly Invitae), Labcorp
Classification: Uncertain significance for Generalized epilepsy with febrile seizures plus, type 9. Last evaluated: 2020-07-08. Review status: criteria provided, single submitter. Criteria: Invitae Variant Classification Sherloc (09022015). Collection method: clinical testing. Allele origin: germline.
Comment: In summary, the available evidence is currently insufficient to determine the role of this variant in disease. Therefore, it has been classified as a Variant of Uncertain Significance. Algorithms developed to predict the effect of missense changes on protein structure and function are either unavailable or do not agree on the potential impact of this missense change (SIFT: "Deleterious"; PolyPhen-2: "Possibly Damaging"; Align-GVGD: "Class C0"). This variant has not been reported in the literature in individuals with STX1B-related conditions. This variant is present in population databases (rs780166656, ExAC 0.009%). This sequence change replaces arginine with histidine at codon 143 of the STX1B protein (p.Arg143His). The arginine residue is highly conserved and there is a small physicochemical difference between arginine and histidine.